The following is an entry in ClinVar:

ClinVar aggregate classification (germline): Benign/Likely benign. Review status: criteria provided, multiple submitters, no conflicts (2 of 4 stars). 6 submissions from 4 submitters: Benign (5); Likely benign (1). Last evaluated 2026-01-26.

Conditions:
Channelopathy-associated congenital insensitivity to pain, autosomal recessive. Also called: CONGENITAL ANALGESIA, AUTOSOMAL RECESSIVE; ASYMBOLIA FOR PAIN; Insensitivity to pain, channelopathy-associated. Identifiers: Orphanet 88642, Orphanet 970, MedGen C1855739, MONDO:0009459, OMIM 243000.
Paroxysmal extreme pain disorder (PEXPD). Also called: SCN9A Paroxysmal Extreme Pain Disorder (SCN9A-PEPD); PAIN, SUBMANDIBULAR, OCULAR, AND RECTAL, WITH FLUSHING; RECTAL PAIN, FAMILIAL. Identifiers: Orphanet 46348, MedGen C1833661, MONDO:0008179, OMIM 167400.
Primary erythromelalgia. Also called: SCN9A Erythromelalgia (SCN9A-EM); primary erythermalgia. Identifiers: Orphanet 306577, Orphanet 90026, MedGen C0014805, MONDO:0007571, OMIM 133020.
Generalized epilepsy with febrile seizures plus, type 7 (GEFSP7). Also called: GEFS+, TYPE 7. Identifiers: Orphanet 36387, MedGen C2751778, MONDO:0013470, OMIM 613863.
Neuropathy, hereditary sensory and autonomic, type 2A (HSAN2A). Also called: ACROOSTEOLYSIS, GIACCAI TYPE; ACROOSTEOLYSIS, NEUROGENIC; MORVAN DISEASE; NEUROPATHY, CONGENITAL SENSORY; NEUROPATHY, HEREDITARY SENSORY RADICULAR, AUTOSOMAL RECESSIVE; NEUROPATHY, HEREDITARY SENSORY, TYPE IIA. Identifiers: Orphanet 970, MedGen C2752089, MONDO:0024309, OMIM 201300.

Allele frequency attached by ClinVar (database versions not stated): gnomAD 0.00038 and 0.00068; ExAC 0.00114; gnomAD exomes 0.00118; 1000 Genomes Project 30x 0.00172; 1000 Genomes Project 0.00220.
gnomAD v4.1: 504 of 611,678 alleles (0.082%); highest among the groups gnomAD compares: East Asian, 1.4%; 5 homozygotes.

Submissions (15):

Labcorp Genetics (formerly Invitae), Labcorp
Classification: Benign for Neuropathy, hereditary sensory and autonomic, type 2A; Generalized epilepsy with febrile seizures plus, type 7. Last evaluated: 2026-01-26. Review status: criteria provided, single submitter. Criteria: Invitae Variant Classification Sherloc (09022015). Collection method: clinical testing. Allele origin: germline.

Blueprint Genetics
Classification: Likely benign. Last evaluated: 2024-08-06. Review status: criteria provided, single submitter. Criteria: ACMG Guidelines, 2015. Collection method: clinical testing. Allele origin: germline.

Illumina Laboratory Services, Illumina
Classification: Benign for Primary erythromelalgia. Last evaluated: 2018-01-12. Review status: criteria provided, single submitter. Criteria: ICSL Variant Classification Criteria 13 December 2019. Collection method: clinical testing. Allele origin: germline.
Comment: This variant was observed in the ICSL laboratory as part of a predisposition screen in an ostensibly healthy population. It had not been previously curated by ICSL or reported in the Human Gene Mutation Database (HGMD: prior to June 1st, 2018), and was therefore a candidate for classification through an automated scoring system. Utilizing variant allele frequency, disease prevalence and penetrance estimates, and inheritance mode, an automated score was calculated to assess if this variant is too frequent to cause the disease. Based on the score and internal cut-off values, a variant classified as benign is not then subjected to further curation. The score for this variant resulted in a classification of benign for this disease.

Illumina Laboratory Services, Illumina
Classification: Benign for Paroxysmal extreme pain disorder. Last evaluated: 2018-01-12. Review status: criteria provided, single submitter. Criteria: ICSL Variant Classification Criteria 13 December 2019. Collection method: clinical testing. Allele origin: germline.
Comment: the same text as in the submission from Illumina Laboratory Services, Illumina above.

Illumina Laboratory Services, Illumina
Classification: Benign for Channelopathy-associated congenital insensitivity to pain, autosomal recessive. Last evaluated: 2018-01-12. Review status: criteria provided, single submitter. Criteria: ICSL Variant Classification Criteria 13 December 2019. Collection method: clinical testing. Allele origin: germline.
Comment: the same text as in the submission from Illumina Laboratory Services, Illumina above.

PreventionGenetics, part of Exact Sciences
Classification: Benign. Review status: criteria provided, single submitter. Criteria: ACMG Guidelines, 2015. Collection method: clinical testing. Allele origin: germline.

Dr. Peter K. Rogan Lab, Western University
No classification provided (evidence only). Condition: Uterine corpus endometrial carcinoma. Review status: no classification provided. Collection method: in vitro. Allele origin: not applicable. Functional consequence: retained intron. Not counted in ClinVar's aggregate classification.

Dr. Peter K. Rogan Lab, Western University
No classification provided (evidence only). Condition: Uterine corpus endometrial carcinoma. Review status: no classification provided. Collection method: in vitro. Allele origin: not applicable. Functional consequence: retained intron. Not counted in ClinVar's aggregate classification.

Dr. Peter K. Rogan Lab, Western University
No classification provided (evidence only). Condition: Uterine corpus endometrial carcinoma. Review status: no classification provided. Collection method: in vitro. Allele origin: not applicable. Functional consequence: retained intron. Not counted in ClinVar's aggregate classification.

Dr. Peter K. Rogan Lab, Western University
No classification provided (evidence only). Condition: Sarcoma. Review status: no classification provided. Collection method: in vitro. Allele origin: not applicable. Functional consequence: retained intron. Not counted in ClinVar's aggregate classification.

Dr. Peter K. Rogan Lab, Western University
No classification provided (evidence only). Condition: Ovarian serous cystadenocarcinoma. Review status: no classification provided. Collection method: in vitro. Allele origin: not applicable. Functional consequence: retained intron. Not counted in ClinVar's aggregate classification.

Dr. Peter K. Rogan Lab, Western University
No classification provided (evidence only). Condition: Ovarian serous cystadenocarcinoma. Review status: no classification provided. Collection method: in vitro. Allele origin: not applicable. Functional consequence: retained intron. Not counted in ClinVar's aggregate classification.

Dr. Peter K. Rogan Lab, Western University
No classification provided (evidence only). Condition: Ovarian serous cystadenocarcinoma. Review status: no classification provided. Collection method: in vitro. Allele origin: not applicable. Functional consequence: retained intron. Not counted in ClinVar's aggregate classification.

Dr. Peter K. Rogan Lab, Western University
No classification provided (evidence only). Condition: Ovarian serous cystadenocarcinoma. Review status: no classification provided. Collection method: in vitro. Allele origin: not applicable. Functional consequence: retained intron. Not counted in ClinVar's aggregate classification.

Dr. Peter K. Rogan Lab, Western University
No classification provided (evidence only). Condition: Gastric cancer. Review status: no classification provided. Collection method: in vitro. Allele origin: not applicable. Functional consequence: retained intron. Not counted in ClinVar's aggregate classification.

NM_001365536.1(SCN9A):c.4399-14G>T

Genes: SCN1A-AS1 (SCN1A and SCN9A antisense RNA 1; plus strand), SCN9A (sodium voltage-gated channel alpha subunit 9; minus strand). Cytogenetic location: 2q24.3.
Variant type: single nucleotide variant.
Coding change: c.4399-14G>T on transcript NM_001365536.1 (MANE Select); 14 bases into the intron before coding-DNA position 4399, G replaced by T.
Molecular consequence: intron variant.
Genome position (GRCh38, 1-based): chr2:166,204,478, C>A on the plus strand (G>T on the coding strand, the complement: SCN9A is on the minus strand). VCF-style: chr2-166204478-C-A. GRCh37 (hg19) VCF-style: chr2-167060988-C-A.
Other names: c.4366-14G>T (NM_002977.4).
Identifiers: ClinVar variation 258886 (VCV000258886.16), dbSNP rs112927502, ClinGen allele CA1943876.